The following is an entry in ClinVar:

NM_001161352.2(KCNMA1):c.2092+5G>A

Gene: KCNMA1 (potassium calcium-activated channel subfamily M alpha 1; minus strand). Cytogenetic location: 10q22.3.
Variant type: single nucleotide variant.
Coding change: c.2092+5G>A on transcript NM_001161352.2 (MANE Select); 5 bases into the intron after coding-DNA position 2092, G replaced by A.
Molecular consequence: intron variant.
Genome position (GRCh38, 1-based): chr10:77,011,962, C>T on the plus strand (G>A on the coding strand, the complement: KCNMA1 is on the minus strand). VCF-style: chr10-77011962-C-T. GRCh37 (hg19) VCF-style: chr10-78771720-C-T.
Other names: c.1942+5G>A (NM_001271518.2); c.2092+5G>A (NM_001322832.2, NM_001410940.1, NM_001322829.2 and 4 more transcripts); c.2104+5G>A (NM_001014797.3, NM_001322835.2, NM_001322830.2 and 1 more transcripts); c.1552+5G>A (NM_001322838.2).
Identifiers: ClinVar variation 3862938 (VCV003862938.1).

ClinVar aggregate classification (germline): Uncertain significance (1 of 4 stars; one submission).

Conditions:
Inborn genetic diseases. Identifiers: MedGen C0950123, MeSH D030342.

Submission:

Ambry Genetics
Classification: Uncertain significance for Inborn genetic diseases. Last evaluated: 2025-03-06. Review status: criteria provided, single submitter. Criteria: Ambry Variant Classification Scheme 2023. Collection method: clinical testing. Allele origin: germline.
Comment: The c.2092+5G>A intronic alteration results from a G to A substitution 5 nucleotides after coding exon 18 of the KCNMA1 gene. This variant was not reported in population-based cohorts in the Genome Aggregation Database (gnomAD). This nucleotide position is highly conserved in available vertebrate species. In silico splice site analysis predicts that this alteration will weaken the native splice donor site. Based on insufficient or conflicting evidence, the clinical significance of this alteration remains unclear.